The following is an entry in ClinVar:

ClinVar aggregate classification (germline): Uncertain significance (1 of 4 stars; one submission).

Submission:

Labcorp Genetics (formerly Invitae), Labcorp
Classification: Uncertain significance. Last evaluated: 2024-12-22. Review status: criteria provided, single submitter. Criteria: Invitae Variant Classification Sherloc (09022015). Collection method: clinical testing. Allele origin: germline.
Comment: This sequence change replaces methionine, which is neutral and non-polar, with isoleucine, which is neutral and non-polar, at codon 261 of the SULF1 protein (p.Met261Ile). This variant is not present in population databases (gnomAD no frequency). This variant has not been reported in the literature in individuals affected with SULF1-related conditions. An algorithm developed to predict the effect of missense changes on protein structure and function (PolyPhen-2) suggests that this variant is likely to be tolerated. In summary, the available evidence is currently insufficient to determine the role of this variant in disease. Therefore, it has been classified as a Variant of Uncertain Significance.

NM_001128205.2(SULF1):c.783G>A (p.Met261Ile)

Gene: SULF1 (sulfatase 1; plus strand). Cytogenetic location: 8q13.3.
Variant type: single nucleotide variant.
Coding change: c.783G>A on transcript NM_001128205.2 (MANE Select); coding-DNA position 783, G replaced by A.
Protein change: p.Met261Ile; replaces methionine 261 with isoleucine.
Molecular consequence: missense variant. On other transcripts: non-coding transcript variant (7), 5 prime UTR variant (1).
Genome position (GRCh38, 1-based): chr8:69,600,651, G>A. VCF-style: chr8-69600651-G-A. GRCh37 (hg19) VCF-style: chr8-70512886-G-A.
Other names: c.183G>A, p.Met61Ile (NM_001412844.1, NM_001412845.1); c.-993G>A (NM_001412846.1); c.783G>A, p.Met261Ile (NM_001412847.1, NM_001412848.1, NM_001412849.1 and 18 more transcripts); c.597G>A, p.Met199Ile (NM_001412841.1, NM_001412842.1); short protein forms M261I, M199I, M61I.
Identifiers: ClinVar variation 3714914 (VCV003714914.2).
Genomic context (GRCh38, chr8:69,600,651, plus strand): 5'-GGATATTTTCAGAACTCCTAGTTATAACTATGCACCAAATATGGATAAACACTGGATTAT[G>A]CAGTACACAGGACCAATGCTGCCCATCCACATGGAATTTACAAACATTCTACAGCGCAAA-3'
Protein context (NP_001121677.1, residues 251-271): YAPNMDKHWI[Met261Ile]QYTGPMLPIH